The following is an entry in ClinVar:

NM_001003800.2(BICD2):c.454-19T>C

Gene: BICD2 (BICD cargo adaptor 2; minus strand). Cytogenetic location: 9q22.31.
Variant type: single nucleotide variant.
Coding change: c.454-19T>C on transcript NM_001003800.2 (MANE Select); 19 bases into the intron before coding-DNA position 454, T replaced by C.
Molecular consequence: intron variant.
Genome position (GRCh38, 1-based): chr9:92,722,827, A>G on the plus strand (T>C on the coding strand, the complement: BICD2 is on the minus strand). VCF-style: chr9-92722827-A-G. GRCh37 (hg19) VCF-style: chr9-95485109-A-G.
Other names: c.454-19T>C (NM_015250.4).
Identifiers: ClinVar variation 510954 (VCV000510954.16), dbSNP rs114997314, ClinGen allele CA5126804.

ClinVar aggregate classification (germline): Benign/Likely benign. Review status: criteria provided, multiple submitters, no conflicts (2 of 4 stars). 3 submissions from 3 submitters: Benign (2); Likely benign (1). Last evaluated 2026-01-19.

Conditions:
Autosomal dominant childhood-onset proximal spinal muscular atrophy with contractures (SMALED2A). Also called: SPINAL MUSCULAR ATROPHY, LOWER EXTREMITY-PREDOMINANT, 2A, CHILDHOOD ONSET, AUTOSOMAL DOMINANT; Spinal muscular atrophy, lower extremity-predominant, 2A, autosomal dominant. Identifiers: Orphanet 363447, Orphanet 363454, MedGen C4747715, MONDO:0014121, OMIM 615290.

Allele frequency attached by ClinVar (database versions not stated): gnomAD exomes 0.00023 and 0.00070; ExAC 0.00079; ESP Exome Variant Server 0.00192; gnomAD 0.00243 and 0.00256; TOPMed 0.00292; 1000 Genomes Project 0.00439; 1000 Genomes Project 30x 0.00484.

Submissions (3):

Labcorp Genetics (formerly Invitae), Labcorp
Classification: Benign for Autosomal dominant childhood-onset proximal spinal muscular atrophy with contractures. Last evaluated: 2026-01-19. Review status: criteria provided, single submitter. Criteria: Invitae Variant Classification Sherloc (09022015). Collection method: clinical testing. Allele origin: germline.

ARUP Laboratories, Molecular Genetics and Genomics, ARUP Laboratories
Classification: Benign. Last evaluated: 2021-09-27. Review status: criteria provided, single submitter. Criteria: ARUP Molecular Germline Variant Investigation Process 2021. Collection method: clinical testing. Allele origin: germline.

GeneDx
Classification: Likely benign. Last evaluated: 2017-07-27. Review status: criteria provided, single submitter. Criteria: GeneDx Variant Classification (06012015). Collection method: clinical testing. Allele origin: germline. Affected: yes.
Comment: This variant is considered likely benign or benign based on one or more of the following criteria: it is a conservative change, it occurs at a poorly conserved position in the protein, it is predicted to be benign by multiple in silico algorithms, and/or has population frequency not consistent with disease.